The following is an entry in ClinVar:

ClinVar aggregate classification (germline): Conflicting classifications of pathogenicity. Review status: criteria provided, conflicting classifications (1 of 4 stars). 4 submissions from 4 submitters: Uncertain significance (1); Likely benign (2). 1 of the submissions does not count toward it. Last evaluated 2025-07-01.

Conditions:
NHLRC2-related disorder. Also called: NHLRC2-related condition.
Inborn genetic diseases. Identifiers: MedGen C0950123, MeSH D030342.

Allele frequency attached by ClinVar (database versions not stated): gnomAD exomes 0.00076; ExAC 0.00086; gnomAD 0.00212 and 0.00217; 1000 Genomes Project 30x 0.00281; 1000 Genomes Project 0.00300; ESP Exome Variant Server 0.00300.
gnomAD v4.1: 870 of 1,602,142 alleles (0.054%); highest among the groups gnomAD compares: African/African-American, 0.75%; 4 homozygotes.

Submissions (5):

CeGaT Center for Human Genetics Tuebingen
Classification: Likely benign. Last evaluated: 2025-07-01. Review status: criteria provided, single submitter. Criteria: CeGaT Center For Human Genetics Tuebingen Variant Classification Criteria Version 2. Collection method: clinical testing. Allele origin: germline. Affected: yes. Observed: 1 variant allele.
Comment: NHLRC2: BP4, BS2

Ambry Genetics
Classification: Likely benign for Inborn genetic diseases. Last evaluated: 2022-01-04. Review status: criteria provided, single submitter. Criteria: Ambry Variant Classification Scheme 2023. Collection method: clinical testing. Allele origin: germline.

Greenwood Genetic Center Diagnostic Laboratories, Greenwood Genetic Center
Classification: Uncertain significance. Last evaluated: 2020-11-03. Review status: criteria provided, single submitter. Criteria: ACMG Guidelines, 2015. Collection method: clinical testing. Allele origin: germline. Affected: yes.
Comment: BP4

PreventionGenetics, part of Exact Sciences
Classification: Likely benign for NHLRC2-related condition. Last evaluated: 2024-09-04. Review status: no assertion criteria provided. Collection method: clinical testing. Allele origin: germline. Not counted in ClinVar's aggregate classification.
Comment: This variant is classified as likely benign based on ACMG/AMP sequence variant interpretation guidelines (Richards et al. 2015 PMID: 25741868, with internal and published modifications).

Dr. Peter K. Rogan Lab, Western University
No classification provided (evidence only). Condition: Clear cell carcinoma of kidney. Review status: no classification provided. Collection method: in vitro. Allele origin: not applicable. Functional consequence: retained intron. Not counted in ClinVar's aggregate classification.

NM_198514.4(NHLRC2):c.1823C>T (p.Ala608Val)

Gene: NHLRC2 (NHL repeat containing 2; plus strand). Cytogenetic location: 10q25.3.
Variant type: single nucleotide variant.
Coding change: c.1823C>T on transcript NM_198514.4 (MANE Select); coding-DNA position 1823, C replaced by T.
Protein change: p.Ala608Val; replaces alanine 608 with valine.
Molecular consequence: missense variant.
Genome position (GRCh38, 1-based): chr10:113,904,935, C>T. VCF-style: chr10-113904935-C-T. GRCh37 (hg19) VCF-style: chr10-115664694-C-T.
Other names: NC_000010.10:g.115664694C>T; short protein forms A608V.
Identifiers: ClinVar variation 1331534 (VCV001331534.17), dbSNP rs150975627, ClinGen allele CA5698110.